The following is an entry in ClinVar:

ClinVar aggregate classification (germline): Uncertain significance (1 of 4 stars; one submission).

Conditions:
GAPO syndrome. Identifiers: Orphanet 2067, MedGen C0406723, MONDO:0009263, OMIM 230740.

Submission:

Diagnostics Services (NGS), CSIR - Centre For Cellular And Molecular Biology
Classification: Uncertain significance for GAPO syndrome. Last evaluated: 2025-01-20. Review status: criteria provided, single submitter. Criteria: ACMG Guidelines, 2015. Collection method: clinical testing. Allele origin: germline. Affected: yes. Observed: 1 variant allele, 1 homozygote.
Comment: The c.659G>C variant is not present in publicly available population databases like 1000 Genomes, EVS, gnomAD, Indian Exome Database or our internal database. This variant has neither been reported in the literature in individuals affected with ANTXR1-related conditions nor reported to clinical databases like Human Genome Mutation Database (HGMD), ClinVar or OMIM, in any affected individuals. In-silico pathogenicity prediction programs like SIFT, Polyphen-2, MutationTaster2021, CADD, etc predicted this variant to be likely deleterious, however these predictions were not confirmed by published functional studies.

NM_032208.3(ANTXR1):c.659G>C (p.Cys220Ser)

Gene: ANTXR1 (ANTXR cell adhesion molecule 1; plus strand). Cytogenetic location: 2p13.3.
Variant type: single nucleotide variant.
Coding change: c.659G>C on transcript NM_032208.3 (MANE Select); coding-DNA position 659, G replaced by C.
Protein change: p.Cys220Ser; replaces cysteine 220 with serine.
Molecular consequence: missense variant.
Genome position (GRCh38, 1-based): chr2:69,090,875, G>C. VCF-style: chr2-69090875-G-C. GRCh37 (hg19) VCF-style: chr2-69318007-G-C.
Other names: c.659G>C, p.Cys220Ser (NM_001410840.1, NM_018153.3, NM_053034.2); short protein forms C220S.
Identifiers: ClinVar variation 3767952 (VCV003767952.1).